The following is an entry in ClinVar:

ClinVar aggregate classification (germline): Benign/Likely benign. Review status: criteria provided, multiple submitters, no conflicts (2 of 4 stars). 3 submissions from 3 submitters: Benign (1); Likely benign (2). Last evaluated 2024-10-31.

Conditions:
Hereditary cancer-predisposing syndrome. Also called: Hereditary Cancer Syndrome; Neoplastic Syndromes, Hereditary; Hereditary neoplastic syndrome; Tumor predisposition. Identifiers: Orphanet 140162, MedGen C0027672, MeSH D009386, MONDO:0015356.
Birt-Hogg-Dube syndrome 1 (BHD1). Also called: FIBROFOLLICULOMAS WITH TRICHODISCOMAS AND ACROCHORDONS. Identifiers: Orphanet 122, MedGen CN375946, MONDO:0800445, OMIM 135150.
Birt-Hogg-Dube syndrome. Also called: Birt Hogg Dubé syndrome. Identifiers: Orphanet 122, MedGen C0346010, MONDO:0800444.

Submissions (3):

Labcorp Genetics (formerly Invitae), Labcorp
Classification: Likely benign for Birt-Hogg-Dube syndrome. Last evaluated: 2024-10-31. Review status: criteria provided, single submitter. Criteria: Invitae Variant Classification Sherloc (09022015). Collection method: clinical testing. Allele origin: germline.

Myriad Genetics, Inc.
Classification: Benign for Birt-Hogg-Dube syndrome 1. Last evaluated: 2024-10-24. Review status: criteria provided, single submitter. Criteria: Myriad Autosomal Dominant, Autosomal Recessive and X-Linked Classification Criteria (2023). Collection method: clinical testing. Allele origin: unknown.
Comment: This variant is considered benign. This variant is a silent/synonymous amino acid change and it is not expected to impact splicing.

Ambry Genetics
Classification: Likely benign for Hereditary cancer-predisposing syndrome. Last evaluated: 2022-06-20. Review status: criteria provided, single submitter. Criteria: Ambry Variant Classification Scheme 2023. Collection method: clinical testing. Allele origin: germline.

NM_144997.7(FLCN):c.1179C>G (p.Thr393=)

Gene: FLCN (folliculin; minus strand). Cytogenetic location: 17p11.2.
Variant type: single nucleotide variant.
Coding change: c.1179C>G on transcript NM_144997.7 (MANE Select); coding-DNA position 1179, C replaced by G.
Protein change: p.Thr393=; no amino-acid change (threonine 393 retained).
Molecular consequence: synonymous variant.
Genome position (GRCh38, 1-based): chr17:17,216,501, G>C on the plus strand (C>G on the coding strand, the complement: FLCN is on the minus strand). VCF-style: chr17-17216501-G-C. GRCh37 (hg19) VCF-style: chr17-17119815-G-C.
Other names: c.1233C>G, p.Thr411= (NM_001353229.2); c.1179C>G, p.Thr393= (NM_001353230.2, NM_001353231.2).
Identifiers: ClinVar variation 1654207 (VCV001654207.11), dbSNP rs755413587, ClinGen allele CA498163295.
Genomic context (GRCh38, chr17:17,216,501, plus strand): 5'-ATAGGCCTCCTCGTACTGGCTGCTGTATGGGATGATGCGGACGCAGCCCACGGGAAGCAT[G>C]GTCTGAGGAGGACAGCAGGACTCAGACCAAGGACACGAGGAAGCCCTCAGCCCCGGCCAT-3'
Protein context (NP_659434.2, residues 383-403): LVQSAFEVLR[Thr393=]MLPVGCVRII